The following is an entry in ClinVar:

ClinVar aggregate classification (germline): Uncertain significance (1 of 4 stars; one submission).

Submission:

Ambry Genetics
Classification: Uncertain significance. Last evaluated: 2024-01-29. Review status: criteria provided, single submitter. Criteria: Ambry Variant Classification Scheme 2023. Collection method: clinical testing. Allele origin: germline.
Comment: The p.D1120N variant (also known as c.3358G>A), located in coding exon 21 of the PKP4 gene, results from a G to A substitution at nucleotide position 3358. The aspartic acid at codon 1120 is replaced by asparagine, an amino acid with highly similar properties. This amino acid position is conserved. In addition, this alteration is predicted to be tolerated by in silico analysis. Based on the available evidence, the clinical significance of this alteration remains unclear.

NM_003628.6(PKP4):c.3358G>A (p.Asp1120Asn)

Genes: PKP4 (plakophilin 4; plus strand), PKP4-AS1 (PKP4 antisense RNA 1; minus strand). Cytogenetic location: 2q24.1.
Variant type: single nucleotide variant.
Coding change: c.3358G>A on transcript NM_003628.6 (MANE Select); coding-DNA position 3358, G replaced by A.
Protein change: p.Asp1120Asn; replaces aspartic acid 1120 with asparagine.
Molecular consequence: missense variant.
Genome position (GRCh38, 1-based): chr2:158,680,456, G>A. VCF-style: chr2-158680456-G-A. GRCh37 (hg19) VCF-style: chr2-159536968-G-A.
Other names: c.3229G>A, p.Asp1077Asn (NM_001005476.4, NM_001377225.1); c.3355G>A, p.Asp1119Asn (NM_001304969.3, NM_001377219.1, NM_001377220.1 and 1 more transcripts); c.2329G>A, p.Asp777Asn (NM_001304970.3); c.3358G>A, p.Asp1120Asn (NM_001377218.1); c.3352G>A, p.Asp1118Asn (NM_001377222.1, NM_001377223.1); c.3349G>A, p.Asp1117Asn (NM_001377224.1); c.3226G>A, p.Asp1076Asn (NM_001377226.1); short protein forms D1076N, D1077N, D1117N, D1118N, D1119N, D1120N, D777N.
Identifiers: ClinVar variation 3223525 (VCV003223525.1), dbSNP rs2529939629, ClinGen allele CA348909615.